The following is an entry in ClinVar:

NM_001127208.3(TET2):c.3997_3998del (p.Met1333fs)

Genes: TET2 (tet methylcytosine dioxygenase 2; plus strand), TET2-AS1 (TET2 antisense RNA 1; minus strand). Cytogenetic location: 4q24.
Variant type: Deletion.
Coding change: c.3997_3998del on transcript NM_001127208.3 (MANE Select); coding-DNA positions 3997 to 3998, 2 bases deleted (AT; older notation c.3997_3998delAT).
Protein change: p.Met1333fs; shifts the reading frame from methionine 1333.
Molecular consequence: frameshift variant.
Genome position (GRCh38, 1-based): chr4:105,261,801-105,261,802, AT deleted; deleting any 2 consecutive bases within chr4:105,261,800-105,261,802 gives the same sequence; the c. name uses the placement nearest the transcript's 3' end. VCF-style (leftmost placement, unchanged base first): chr4-105261799-TTA-T. GRCh37 (hg19) VCF-style: chr4-106182956-TTA-T.
Other names: short protein forms M1333fs.
Identifiers: ClinVar variation 5041484 (VCV005041484.1).

ClinVar aggregate classification (germline): Pathogenic (1 of 4 stars; one submission).

Submission:

CeGaT Center for Human Genetics Tuebingen
Classification: Pathogenic. Last evaluated: 2026-09-01. Review status: criteria provided, single submitter. Criteria: CeGaT Center For Human Genetics Tuebingen Variant Classification Criteria Version 2. Collection method: clinical testing. Allele origin: germline. Affected: yes. Observed: 1 variant allele.
Comment: TET2: PVS1, PM2